The following is an entry in ClinVar:

NM_005883.3(APC2):c.2518_2523dup (p.Ala841_Lys842insAlaAla)

Gene: APC2 (APC regulator of Wnt signaling pathway 2; plus strand). Cytogenetic location: 19p13.3.
Variant type: Duplication.
Coding change: c.2518_2523dup on transcript NM_005883.3 (MANE Select); coding-DNA positions 2518 to 2523, 6 bases duplicated (GCGGCC; older notation c.2518_2523dupGCGGCC).
Protein change: p.Ala841_Lys842insAlaAla.
Genome position (GRCh38, 1-based): chr19:1,465,819-1,465,824, GCGGCC duplicated. VCF-style (leftmost placement, unchanged base first): chr19-1465818-G-GGCGGCC. GRCh37 (hg19) VCF-style: chr19-1465817-G-GGCGGCC.
Other names: c.2515_2520dup, p.Ala840_Lys841insAlaAla (NM_001351273.1).
Identifiers: ClinVar variation 3583511 (VCV003583511.3).

ClinVar aggregate classification (germline): Uncertain significance. Review status: criteria provided, multiple submitters, no conflicts (2 of 4 stars). 2 submissions from 2 submitters: Uncertain significance (2). Last evaluated 2024-05-20.

Conditions:
Intellectual developmental disorder, autosomal recessive 74 (MRT74). Also called: Sotos syndrome 3. Identifiers: MedGen C4310684, MONDO:0014951, OMIM 617169.
Cortical dysplasia, complex, with other brain malformations 10. Identifiers: MedGen C5231458, MONDO:0032866, OMIM 618677.

Submissions (2):

Fulgent Genetics
Classification: Uncertain significance for Intellectual developmental disorder, autosomal recessive 74; Cortical dysplasia, complex, with other brain malformations 10. Last evaluated: 2024-05-20. Review status: criteria provided, single submitter. Criteria: ACMG Guidelines, 2015. Collection method: clinical testing. Allele origin: germline.

Juno Genomics, Hangzhou Juno Genomics, Inc
Classification: Uncertain significance for Cortical dysplasia, complex, with other brain malformations 10; Intellectual developmental disorder, autosomal recessive 74. Review status: criteria provided, single submitter. Criteria: ACMG Guidelines, 2015. Collection method: clinical testing. Allele origin: germline.
Comment: Absent from controls (or at extremely low frequency if recessive) in Genome Aggregation Database.;Protein length changes due to in-frame deletions/insertions in a non-repeat region or stop-loss variants.